The following is an entry in ClinVar:

ClinVar aggregate classification (germline): Pathogenic (1 of 4 stars; one submission).

Conditions:
Duchenne muscular dystrophy (DMD). Also called: Duchenne Muscular Dystrophy (DMD); MUSCULAR DYSTROPHY, PSEUDOHYPERTROPHIC PROGRESSIVE, DUCHENNE TYPE. Identifiers: Orphanet 98896, MedGen C0013264, MONDO:0010679, OMIM 310200.

Submission:

Labcorp Genetics (formerly Invitae), Labcorp
Classification: Pathogenic for Duchenne muscular dystrophy. Last evaluated: 2019-06-03. Review status: criteria provided, single submitter. Criteria: Invitae Variant Classification Sherloc (09022015). Collection method: clinical testing. Allele origin: germline.
Comment: This sequence change creates a premature translational stop signal (p.Ala849Valfs*5) in the DMD gene. It is expected to result in an absent or disrupted protein product. This variant is not present in population databases (ExAC no frequency). This variant has not been reported in the literature in individuals with DMD-related conditions. Loss-of-function variants in DMD are known to be pathogenic (PMID: 16770791, 25007885). For these reasons, this variant has been classified as Pathogenic.

NM_004006.3(DMD):c.2546del (p.Ala849fs)

Gene: DMD (dystrophin; minus strand). Cytogenetic location: Xp21.1.
Variant type: Deletion.
Coding change: c.2546del on transcript NM_004006.3 (MANE Select); coding-DNA position 2546, one base deleted (C; older notation c.2546delC).
Protein change: p.Ala849fs; shifts the reading frame from alanine 849.
Molecular consequence: frameshift variant.
Genome position (GRCh38, 1-based): chrX:32,491,353, G deleted on the plus strand (C on the coding strand, the reverse complement: DMD is on the minus strand). VCF-style (leftmost placement, unchanged base first): chrX-32491352-AG-A. GRCh37 (hg19) VCF-style: chrX-32509469-AG-A.
Other names: c.2522del, p.Ala841fs (NM_000109.4); c.2534del, p.Ala845fs (NM_004009.3); c.2177del, p.Ala726fs (NM_004010.3); short protein forms A726fs, A845fs, A849fs, A841fs.
Identifiers: ClinVar variation 839334 (VCV000839334.1), dbSNP rs2042979418, ClinGen allele CA916081261.